The following is an entry in ClinVar:

NM_005751.5(AKAP9):c.8056G>A (p.Gly2686Arg)

Gene: AKAP9 (A-kinase anchoring protein 9; plus strand). Cytogenetic location: 7q21.2.
Variant type: single nucleotide variant.
Coding change: c.8056G>A on transcript NM_005751.5 (MANE Select); coding-DNA position 8056, G replaced by A.
Protein change: p.Gly2686Arg; replaces glycine 2686 with arginine.
Molecular consequence: missense variant.
Genome position (GRCh38, 1-based): chr7:92,082,558, G>A. VCF-style: chr7-92082558-G-A. GRCh37 (hg19) VCF-style: chr7-91711872-G-A.
Other names: c.2701G>A, p.Gly901Arg (NM_001379277.1); c.8032G>A, p.Gly2678Arg (NM_147185.3); short protein forms G2686R, G901R, G2678R.
Identifiers: ClinVar variation 1761821 (VCV001761821.3), dbSNP rs1207633245, ClinGen allele CA368137252.

ClinVar aggregate classification (germline): Uncertain significance (1 of 4 stars; one submission).

Conditions:
Cardiovascular phenotype. Identifiers: MedGen CN230736.

Allele frequency attached by ClinVar (database versions not stated): gnomAD 0.00001; TOPMed 0.00002.
gnomAD v4.1: 2 of 1,613,656 alleles (0.00012%); highest among the groups gnomAD compares: African/African-American, 0.0027%; no homozygotes.

Submission:

Ambry Genetics
Classification: Uncertain significance for Cardiovascular phenotype. Last evaluated: 2023-02-10. Review status: criteria provided, single submitter. Criteria: Ambry Variant Classification Scheme 2023. Collection method: clinical testing. Allele origin: germline.
Comment: The p.G2686R variant (also known as c.8056G>A), located in coding exon 32 of the AKAP9 gene, results from a G to A substitution at nucleotide position 8056. The glycine at codon 2686 is replaced by arginine, an amino acid with dissimilar properties. This amino acid position is not well conserved in available vertebrate species, and arginine is the reference amino acid in other vertebrate species. In addition, this alteration is predicted to be tolerated by in silico analysis. Since supporting evidence is limited at this time, the clinical significance of this alteration remains unclear.